The following is an entry in ClinVar:

ClinVar aggregate classification (germline): Pathogenic (1 of 4 stars; one submission).

Conditions:
Hyperammonemia, type III (NAGSD). Also called: Hyperammonemia due to N-acetylglutamate synthase deficiency. Identifiers: Orphanet 927, MedGen C0268543, MONDO:0009377, OMIM 237310.

Submission:

Labcorp Genetics (formerly Invitae), Labcorp
Classification: Pathogenic for Hyperammonemia, type III. Last evaluated: 2022-04-29. Review status: criteria provided, single submitter. Criteria: Invitae Variant Classification Sherloc (09022015). Collection method: clinical testing. Allele origin: germline.
Comment: For these reasons, this variant has been classified as Pathogenic. This variant has not been reported in the literature in individuals affected with NAGS-related conditions. This variant is not present in population databases (gnomAD no frequency). This sequence change creates a premature translational stop signal (p.Arg41Serfs*257) in the NAGS gene. It is expected to result in an absent or disrupted protein product. Loss-of-function variants in NAGS are known to be pathogenic (PMID: 12594532).

Literature cited by the submitters: PubMed 12594532.

NM_153006.3(NAGS):c.116_122dup (p.Arg41fs)

Gene: NAGS (N-acetylglutamate synthase; plus strand). Cytogenetic location: 17q21.31.
Variant type: Duplication.
Coding change: c.116_122dup on transcript NM_153006.3 (MANE Select); coding-DNA positions 116 to 122, 7 bases duplicated (CGGCGAG; older notation c.116_122dupCGGCGAG).
Protein change: p.Arg41fs; shifts the reading frame from arginine 41.
Molecular consequence: frameshift variant.
Genome position (GRCh38, 1-based): chr17:44,004,779-44,004,785, CGGCGAG duplicated; duplicating any 7 consecutive bases within chr17:44,004,778-44,004,785 gives the same sequence; the c. name uses the placement nearest the transcript's 3' end. VCF-style (leftmost placement, unchanged base first): chr17-44004777-G-GGCGGCGA. GRCh37 (hg19) VCF-style: chr17-42082145-G-GGCGGCGA.
Other names: short protein forms R41fs.
Identifiers: ClinVar variation 2131999 (VCV002131999.4), dbSNP rs2509277257, ClinGen allele CA2580093831.
Genomic context (GRCh38, chr17:44,004,777, plus strand): 5'-GCTGAGAGGCCGGGGAGGCACTGGGGGCGCCCGAAGGCTGAGCTGTGGCGCGCGGCGGCG[G>GGCGGCGA]GCGGCGAGGGGCACCAGCCCGGGGCGCCGGCTCAGCACCGCCTGGTCGCAGCCCCAGCCC-3'